The following is an entry in ClinVar:

ClinVar aggregate classification (germline): Likely benign. Review status: criteria provided, multiple submitters, no conflicts (2 of 4 stars). 3 submissions from 3 submitters: Likely benign (3). Last evaluated 2025-12-15.

Conditions:
Bethlem myopathy 1A. Also called: Bethlem Muscular Dystrophy; MYOPATHY, BENIGN CONGENITAL, WITH CONTRACTURES; Bethlem myopathy 1. Identifiers: Orphanet 610, MedGen CN029274, MONDO:0024530, OMIM 158810.
Collagen 6-related myopathy. Identifiers: MedGen CN117976, MONDO:0100225.

Allele frequency attached by ClinVar (database versions not stated): gnomAD 0.00001; TOPMed 0.00002.
gnomAD v4.1: 18 of 1,602,528 alleles (0.0011%); highest among the groups gnomAD compares: Admixed American, 0.02%; no homozygotes.

Submissions (3):

Labcorp Genetics (formerly Invitae), Labcorp
Classification: Likely benign for Bethlem myopathy 1A. Last evaluated: 2025-12-15. Review status: criteria provided, single submitter. Criteria: Invitae Variant Classification Sherloc (09022015). Collection method: clinical testing. Allele origin: germline.

Blueprint Genetics
Classification: Likely benign. Last evaluated: 2019-11-27. Review status: criteria provided, single submitter. Criteria: ACMG Guidelines, 2015. Collection method: clinical testing. Allele origin: germline.

Illumina Laboratory Services, Illumina
Classification: Likely benign for Collagen VI-related myopathy. Last evaluated: 2018-01-12. Review status: criteria provided, single submitter. Criteria: ICSL Variant Classification Criteria 13 December 2019. Collection method: clinical testing. Allele origin: germline.
Comment: This variant was observed in the ICSL laboratory as part of a predisposition screen in an ostensibly healthy population. It had not been previously curated by ICSL or reported in the Human Gene Mutation Database (HGMD: prior to June 1st, 2018), and was therefore a candidate for classification through an automated scoring system. Utilizing variant allele frequency, disease prevalence and penetrance estimates, and inheritance mode, an automated score was calculated to assess if this variant is too frequent to cause the disease. Based on the score and internal cut-off values, a variant classified as likely benign is not then subjected to further curation. The score for this variant resulted in a classification of likely benign for this disease.

NM_001849.4(COL6A2):c.1180-10C>T

Gene: COL6A2 (collagen type VI alpha 2 chain; plus strand). Cytogenetic location: 21q22.3.
Variant type: single nucleotide variant.
Coding change: c.1180-10C>T on transcript NM_001849.4 (MANE Select); 10 bases into the intron before coding-DNA position 1180, C replaced by T.
Molecular consequence: intron variant.
Genome position (GRCh38, 1-based): chr21:46,119,020, C>T. VCF-style: chr21-46119020-C-T. GRCh37 (hg19) VCF-style: chr21-47538934-C-T.
Other names: c.1180-10C>T (NM_058175.3, NM_058174.3).
Identifiers: ClinVar variation 759990 (VCV000759990.12), dbSNP rs777782503, ClinGen allele CA10071759.